The following is an entry in ClinVar:

NM_144672.4(OTOA):c.131T>C (p.Ile44Thr)

Gene: OTOA (otoancorin). Cytogenetic location: 16p12.2.
Variant type: single nucleotide variant.
Coding change: c.131T>C on transcript NM_144672.4 (MANE Select); coding-DNA position 131, T replaced by C.
Protein change: p.Ile44Thr; replaces isoleucine 44 with threonine.
Molecular consequence: missense variant.
Genome position (GRCh38, 1-based): chr16:21,679,046, T>C. VCF-style: chr16-21679046-T-C. GRCh37 (hg19) VCF-style: chr16-21690367-T-C.
Other names: short protein forms I44T.
Identifiers: ClinVar variation 178497 (VCV000178497.49), dbSNP rs730882117, ClinGen allele CA182440.

ClinVar aggregate classification (germline): Conflicting classifications of pathogenicity. Review status: criteria provided, conflicting classifications (1 of 4 stars). 7 submissions from 7 submitters: Likely pathogenic (2); Uncertain significance (5). Last evaluated 2026-06-01.

Conditions:
OTOA-related disorder. Also called: OTOA-related condition.

Allele frequency attached by ClinVar (database versions not stated): ExAC 0.00005; gnomAD 0.00006 and 0.00007; gnomAD exomes 0.00007 and 0.00018; TOPMed 0.00008.
gnomAD v4.1: 271 of 1,613,980 alleles (0.017%); highest among the groups gnomAD compares: Non-Finnish European, 0.022%; no homozygotes.

Submissions (7):

PreventionGenetics, part of Exact Sciences
Classification: Likely pathogenic for OTOA-related condition. Last evaluated: 2026-06-01. Review status: criteria provided, single submitter. Criteria: ACMG Guidelines, 2015. Collection method: clinical testing. Allele origin: germline.
Comment: The OTOA c.131T>C variant is predicted to result in the amino acid substitution p.Ile44Thr. This variant was reported in a patient with hearing loss in conjunction with a nonsense variant, although evidence of compound heterozygosity was not presented (Table S3, Sloan-Heggen et al. 2016. PubMed ID: 26969326). This variant has been reported in trans to a large OTOA deletion in a patient with hearing loss in ClinVar (Variation ID: 178497) as well as in two patients at PreventionGenetics (internal data). This variant is reported in 0.015% of alleles in individuals of European (Non-Finnish) descent in gnomAD. This variant is interpreted as likely pathogenic.

GeneDx
Classification: Uncertain significance. Last evaluated: 2026-01-20. Review status: criteria provided, single submitter. Criteria: GeneDx Variant Classification Process June 2021. Collection method: clinical testing. Allele origin: germline. Affected: yes.
Comment: Identified with a second OTOA variant in a patient with bilateral congenital sensorineural hearing loss in published literature (PMID: 26969326); In silico analysis suggests that this missense variant does not alter protein structure/function; This variant is associated with the following publications: (PMID: 31527525, 26969326)

Women's Health and Genetics/Laboratory Corporation of America, LabCorp
Classification: Uncertain significance. Last evaluated: 2024-06-20. Review status: criteria provided, single submitter. Criteria: LabCorp Variant Classification Summary - May 2015. Collection method: clinical testing. Allele origin: germline.
Comment: Variant summary: OTOA c.131T>C (p.Ile44Thr) results in a non-conservative amino acid change in the encoded protein sequence. Four of five in-silico tools predict a damaging effect of the variant on protein function. The variant allele was found at a frequency of 7.2e-05 in 251400 control chromosomes (gnomAD). This frequency is not higher than estimated for a pathogenic variant in OTOA causing Autosomal Recessive Nonsyndromic Hearing Loss 22, allowing no conclusion about variant significance. c.131T>C has been reported in the literature in at least one individual affected with congenital nonsyndromic hearing loss (Sloan-Heggen_2016), who carried a second (likely) pathogenic OTOA variant. These data do not allow any conclusion about variant significance. To our knowledge, no experimental evidence demonstrating an impact on protein function has been reported. The following publication have been ascertained in the context of this evaluation (PMID: 26969326). ClinVar contains an entry for this variant (Variation ID: 178497). Based on the evidence outlined above, the variant was classified as uncertain significance.

Blueprint Genetics
Classification: Likely pathogenic for OTOA-related disorders. Last evaluated: 2023-10-11. Review status: criteria provided, single submitter. Criteria: ACMG Guidelines, 2015. Collection method: clinical testing. Allele origin: germline. Affected: yes. Observed: 5 variant alleles.

CeGaT Center for Human Genetics Tuebingen
Classification: Uncertain significance. Last evaluated: 2022-06-01. Review status: criteria provided, single submitter. Criteria: CeGaT Center For Human Genetics Tuebingen Variant Classification Criteria Version 2. Collection method: clinical testing. Allele origin: germline. Affected: yes. Observed: 1 variant allele.
Comment: OTOA: PM2, PM3:Supporting

Eurofins Ntd Llc (ga)
Classification: Uncertain significance. Last evaluated: 2016-09-12. Review status: criteria provided, single submitter. Criteria: EGL Classification Definitions 2015. Collection method: clinical testing. Allele origin: germline. Observed: 1 variant allele, 1 homozygote.

Laboratory for Molecular Medicine, Mass General Brigham Personalized Medicine
Classification: Uncertain significance. Last evaluated: 2014-11-10. Review status: criteria provided, single submitter. Criteria: LMM Criteria. Collection method: clinical testing. Allele origin: germline. Observed: 2 variant alleles.
Comment: Variant classified as Uncertain Significance - Favor Pathogenic. Computational prediction tools and c onservation analysis do not provide strong support for or against an impact to t he protein. In summary, while there is some suspicion for a pathogenic role, the clinical significance of the p.Ile44Thr variant is uncertain.

Literature cited by the submitters: PubMed 26969326 (cited by Women's Health and Genetics/Laboratory Corporation of America, LabCorp).